The following is an entry in ClinVar:

ClinVar aggregate classification (germline): Likely benign. Review status: criteria provided, multiple submitters, no conflicts (2 of 4 stars). 2 submissions from 2 submitters: Likely benign (2). Last evaluated 2025-03-10.

Conditions:
STAR-related disorder. Also called: STAR-related condition.

gnomAD v4.1: 5 of 1,613,442 alleles (0.00031%); highest among the groups gnomAD compares: African/African-American, 0.004%; no homozygotes.

Submissions (2):

PreventionGenetics, part of Exact Sciences
Classification: Likely benign for STAR-related condition. Last evaluated: 2025-03-10. Review status: criteria provided, single submitter. Criteria: ACMG Guidelines, 2015. Collection method: clinical testing. Allele origin: germline.
Comment: This variant is classified as likely benign based on ACMG/AMP sequence variant interpretation guidelines (Richards et al. 2015 PMID: 25741868, with internal and published modifications).

Labcorp Genetics (formerly Invitae), Labcorp
Classification: Likely benign. Last evaluated: 2023-12-24. Review status: criteria provided, single submitter. Criteria: Invitae Variant Classification Sherloc (09022015). Collection method: clinical testing. Allele origin: germline.

NM_000349.3(STAR):c.650+7C>A

Gene: STAR (steroidogenic acute regulatory protein; minus strand). Cytogenetic location: 8p11.23.
Variant type: single nucleotide variant.
Coding change: c.650+7C>A on transcript NM_000349.3 (MANE Select); 7 bases into the intron after coding-DNA position 650, C replaced by A.
Molecular consequence: intron variant.
Genome position (GRCh38, 1-based): chr8:38,145,956, G>T on the plus strand (C>A on the coding strand, the complement: STAR is on the minus strand). VCF-style: chr8-38145956-G-T. GRCh37 (hg19) VCF-style: chr8-38003474-G-T.
Other names: c.650+7C>A (NM_000349.2).
Identifiers: ClinVar variation 1083222 (VCV001083222.8), dbSNP rs566068182, ClinGen allele CA175095760.